The following is an entry in ClinVar:

NM_178857.6(RP1L1):c.37C>T (p.His13Tyr)

Gene: RP1L1 (RP1 like 1). Cytogenetic location: 8p23.1.
Variant type: single nucleotide variant.
Coding change: c.37C>T on transcript NM_178857.6 (MANE Select); coding-DNA position 37, C replaced by T.
Protein change: p.His13Tyr; replaces histidine 13 with tyrosine.
Molecular consequence: missense variant.
Genome position (GRCh38, 1-based): chr8:10,623,165, G>A on the plus strand (C>T on the coding strand, the complement: RP1L1 is on the minus strand). VCF-style: chr8-10623165-G-A. GRCh37 (hg19) VCF-style: chr8-10480675-G-A.
Other names: short protein forms H13Y.
Identifiers: ClinVar variation 1965644 (VCV001965644.5), dbSNP rs2486319909, ClinGen allele CA370301258.

ClinVar aggregate classification (germline): Uncertain significance (1 of 4 stars; one submission).

Allele frequency attached by ClinVar (database versions not stated): gnomAD exomes below 0.00001.
gnomAD v4.1: 1 of 1,587,122 alleles (0.000063%); highest among the groups gnomAD compares: Non-Finnish European, 0.000086%; no homozygotes.

Submission:

Labcorp Genetics (formerly Invitae), Labcorp
Classification: Uncertain significance. Last evaluated: 2023-07-17. Review status: criteria provided, single submitter. Criteria: Invitae Variant Classification Sherloc (09022015). Collection method: clinical testing. Allele origin: germline.
Comment: This variant is not present in population databases (gnomAD no frequency). This sequence change replaces histidine, which is basic and polar, with tyrosine, which is neutral and polar, at codon 13 of the RP1L1 protein (p.His13Tyr). This variant has not been reported in the literature in individuals affected with RP1L1-related conditions. In summary, the available evidence is currently insufficient to determine the role of this variant in disease. Therefore, it has been classified as a Variant of Uncertain Significance. Advanced modeling of protein sequence and biophysical properties (such as structural, functional, and spatial information, amino acid conservation, physicochemical variation, residue mobility, and thermodynamic stability) performed at Invitae indicates that this missense variant is not expected to disrupt RP1L1 protein function. ClinVar contains an entry for this variant (Variation ID: 1965644).